The following is an entry in ClinVar:

ClinVar aggregate classification (germline): Likely benign (1 of 4 stars; one submission).

Conditions:
IFT172-related disorder. Also called: IFT172-related condition; IFT172-related disorders.

Submission:

PreventionGenetics, part of Exact Sciences
Classification: Likely benign for IFT172-related condition. Last evaluated: 2025-08-04. Review status: criteria provided, single submitter. Criteria: ACMG Guidelines, 2015. Collection method: clinical testing. Allele origin: germline.
Comment: This variant is classified as likely benign based on ACMG/AMP sequence variant interpretation guidelines (Richards et al. 2015 PMID: 25741868, with internal and published modifications).

NM_015662.3(IFT172):c.5112G>C (p.Gly1704=)

Genes: IFT172 (intraflagellar transport 172; minus strand), KRTCAP3 (keratinocyte associated protein 3; plus strand). Cytogenetic location: 2p23.3.
Variant type: single nucleotide variant.
Coding change: c.5112G>C on transcript NM_015662.3 (MANE Select); coding-DNA position 5112, G replaced by C.
Protein change: p.Gly1704=; no amino-acid change (glycine 1704 retained).
Molecular consequence: synonymous variant. On other transcripts: intron variant (1).
Genome position (GRCh38, 1-based): chr2:27,445,062, C>G on the plus strand (G>C on the coding strand, the complement: IFT172 is on the minus strand). VCF-style: chr2-27445062-C-G. GRCh37 (hg19) VCF-style: chr2-27667929-C-G.
Other names: c.5046G>C, p.Gly1682= (NM_001410739.1); c.*5+1001C>G (NM_001168364.2).
Identifiers: ClinVar variation 4997795 (VCV004997795.1).